The following is an entry in ClinVar:

NM_000834.5(GRIN2B):c.-10C>T

Gene: GRIN2B (glutamate ionotropic receptor NMDA type subunit 2B; minus strand). Cytogenetic location: 12p13.1.
Variant type: single nucleotide variant.
Coding change: c.-10C>T on transcript NM_000834.5 (MANE Select); 10 bases upstream of the start codon, C replaced by T.
Molecular consequence: 5 prime UTR variant.
Genome position (GRCh38, 1-based): chr12:13,866,218, G>A on the plus strand (C>T on the coding strand, the complement: GRIN2B is on the minus strand). VCF-style: chr12-13866218-G-A. GRCh37 (hg19) VCF-style: chr12-14019152-G-A.
Identifiers: ClinVar variation 205704 (VCV000205704.2), dbSNP rs200539507, ClinGen allele CA315037.

ClinVar aggregate classification (germline): Uncertain significance (1 of 4 stars; one submission).

Allele frequency attached by ClinVar (database versions not stated): gnomAD exomes below 0.00001; gnomAD 0.00001.
gnomAD v4.1: 22 of 1,604,670 alleles (0.0014%); highest among the groups gnomAD compares: Middle Eastern, 0.016%; no homozygotes.

Submission:

GeneDx
Classification: Uncertain significance. Last evaluated: 2013-11-27. Review status: criteria provided, single submitter. Criteria: GeneDx Variant Classification (06012015). Collection method: clinical testing. Allele origin: germline. Affected: yes.
Comment: c.-10 C>T in exon 2 of the GRIN2B gene (NM_000834.3). The c.-10 C>T sequence change in the 5' untranslated region of GRIN2B has not been published as a mutation, nor has it been reported as a benign polymorphism to our knowledge. It was not observed in approximately 6,500 individuals of European and African American ancestry in the NHLBI Exome Sequencing Project, indicating it is not a common benign variant in these populations. The variant creates a new ATG initiation codon which is out of frame with the normal ATG initiation codon. This region of the gene is normally involved in the initiation of translation, and the effect of this variant on protein translation is unclear. It is possible that the c.-10 C>T variant creates an alternative start site for protein translation that codes for an abnormal protein. However, expression and/or functional studies would be necessary to determine what effect, if any, the c.-10 C>T variant has on protein expression. Additionally, regulatory mutations associated with epilepsy have not been reported in the GRIN2B gene. Therefore, based on the currently available information, it is unclear whether c.-10 C>T is a disease-causing mutation or a rare benign variant. The variant is found in EPILEPSY panel(s).